The following is an entry in ClinVar:

NM_018418.5(SPATA7):c.1102_1103del (p.Leu368fs)

Gene: SPATA7 (spermatogenesis associated 7; plus strand). Cytogenetic location: 14q31.3.
Variant type: Deletion.
Coding change: c.1102_1103del on transcript NM_018418.5 (MANE Select); coding-DNA positions 1102 to 1103, 2 bases deleted (CT; older notation c.1102_1103delCT).
Protein change: p.Leu368fs; shifts the reading frame from leucine 368.
Molecular consequence: frameshift variant.
Genome position (GRCh38, 1-based): chr14:88,433,154-88,433,155, CT deleted; deleting any 2 consecutive bases within chr14:88,433,153-88,433,155 gives the same sequence; the c. name uses the placement nearest the transcript's 3' end. VCF-style (leftmost placement, unchanged base first): chr14-88433152-ATC-A. GRCh37 (hg19) VCF-style: chr14-88899496-ATC-A.
Other names: c.1006_1007del, p.Leu336fs (NM_001040428.4); c.1102_1103del (NM_018418.4); short protein forms L368fs, L336fs.
Identifiers: ClinVar variation 631720 (VCV000631720.15), dbSNP rs777069665, ClinGen allele CA7298730.

ClinVar aggregate classification (germline): Pathogenic/Likely pathogenic. Review status: criteria provided, multiple submitters, no conflicts (2 of 4 stars). 6 submissions from 6 submitters: Pathogenic (3); Likely pathogenic (2). 1 of the submissions does not count toward it. Last evaluated 2026-03-03.

Conditions:
Retinitis pigmentosa 94, variable age at onset. Identifiers: MedGen C5676889, MONDO:0800328.
SPATA7-related disorder. Also called: SPATA7-related condition; SPATA7-related disorders. Identifiers: MedGen CN239422.
Leber congenital amaurosis 3 (LCA3). Also called: SPATA7-Related Retinitis Pigmentosa. Identifiers: MedGen C1858677, MONDO:0011415, OMIM 604232.
Leber congenital amaurosis (LCA). Also called: Leber's amaurosis. Identifiers: Orphanet 65, MedGen C0339527, MeSH D057130, MONDO:0018998.

Submissions (6):

PreventionGenetics, part of Exact Sciences
Classification: Pathogenic for SPATA7-related condition. Last evaluated: 2026-03-03. Review status: criteria provided, single submitter. Criteria: ACMG Guidelines, 2015. Collection method: clinical testing. Allele origin: germline.
Comment: The SPATA7 c.1102_1103delCT variant is predicted to result in a frameshift and premature protein termination (p.Leu368Glufs*4). This variant has been reported with a second SPATA7 variant in individuals with Leber congenital amaurosis or retinitis pigmentosa (Table S7, Consugar et al. 2015. PubMed ID: 25412400; Sengillo et al. 2018. PubMed ID: 29411205). This variant is reported in 0.0044% of alleles in individuals of European (non-Finnish) descent in gnomAD. Frameshift variants in SPATA7 are expected to be pathogenic. This variant is interpreted as pathogenic.

Labcorp Genetics (formerly Invitae), Labcorp
Classification: Pathogenic for Leber congenital amaurosis 3. Last evaluated: 2025-05-05. Review status: criteria provided, single submitter. Criteria: Invitae Variant Classification Sherloc (09022015). Collection method: clinical testing. Allele origin: germline.
Comment: This sequence change creates a premature translational stop signal (p.Leu368Glufs*4) in the SPATA7 gene. It is expected to result in an absent or disrupted protein product. Loss-of-function variants in SPATA7 are known to be pathogenic (PMID: 19268277, 22334370, 23847139, 26047050, 26261414). This variant is present in population databases (rs777069665, gnomAD 0.005%). This premature translational stop signal has been observed in individuals with autosomal recessive inherited retinal dystrophy (PMID: 25412400, 29411205). ClinVar contains an entry for this variant (Variation ID: 631720). For these reasons, this variant has been classified as Pathogenic.

Blueprint Genetics
Classification: Pathogenic for SPATA7-related disorders. Last evaluated: 2023-09-28. Review status: criteria provided, single submitter. Criteria: ACMG Guidelines, 2015. Collection method: clinical testing. Allele origin: germline. Affected: yes. Observed: 5 variant alleles.

Women's Health and Genetics/Laboratory Corporation of America, LabCorp
Classification: Likely pathogenic for Leber congenital amaurosis. Last evaluated: 2023-03-07. Review status: criteria provided, single submitter. Criteria: LabCorp Variant Classification Summary - May 2015. Collection method: clinical testing. Allele origin: germline.
Comment: Variant summary: SPATA7 c.1102_1103delCT (p.Leu368GlufsX4) results in a premature termination codon, predicted to cause a truncation of the encoded protein or absence of the protein due to nonsense mediated decay, which are commonly known mechanisms for disease. Truncations downstream of this position are classified as pathogenic in ClinVar. The variant allele was found at a frequency of 2.4e-05 in 250190 control chromosomes. c.1102_1103delCT has been reported in the literature in individuals affected with Leber Congenital Amaurosis and Retinitis Pigmentosa (Congugar_2015, Sengillo_2018). These two individuals were reported as compound heterozygous, one with a truncating variant that has not been classified in ClinVar and the other with a missense variant that has been classified as pathogenic. These data indicate that the variant is likely to be associated with disease. To our knowledge, no experimental evidence demonstrating an impact on protein function has been reported. Four submitters have provided clinical-significance assessments for this variant to ClinVar after 2014, and all laboratories classified the variant as pathogenic/likely pathogenic. Based on the evidence outlined above, the variant was classified as likely pathogenic.

Illumina Laboratory Services, Illumina
Classification: Likely pathogenic for SPATA7-Related Disorders. Last evaluated: 2018-11-21. Review status: criteria provided, single submitter. Criteria: ICSL Variant Classification Criteria 09 May 2019. Collection method: clinical testing. Allele origin: germline.
Comment: The SPATA7 c.1102_1103delCT (p.Leu368GlufsTer4) variant results in a frameshift and is predicted to result in premature termination of the protein. The p.Leu368GlufsTer4 variant has been reported in two studies in which it is found in a compound heterozygous state in two individuals, one diagnosed with Leber congenital amaurosis (LCA) and one with a retinitis pigmentosa phenotype (RP) (Consugar et al. 2015; Sengillo et al. 2018). The individual with LCA carried the p.Leu368GlufsTer4 variant in trans with a stop-gained variant, while the individual with RP carried the p.Leu368GlufsTer4 variant in trans with a missense variant. Control data are unavailable for this variant which is reported at a frequency of 0.00004410 in the European (non-Finnish) population of the Genome Aggregation Database. Based on the potential impact of frameshift variants and the clinical evidence, the p.Leu368GlufsTer4 variant is classified as likely pathogenic for SPATA7-related disorders. This variant was observed by ICSL as part of a predisposition screen in an ostensibly healthy population.

OMIM
Classification: Pathogenic for RETINITIS PIGMENTOSA 94, VARIABLE AGE AT ONSET. Last evaluated: 2022-06-28. Review status: no assertion criteria provided. Collection method: literature only. Allele origin: germline. Not counted in ClinVar's aggregate classification.

Literature cited by the submitters: PubMed 19268277 (cited by Labcorp Genetics (formerly Invitae), Labcorp); PubMed 22334370 (cited by Labcorp Genetics (formerly Invitae), Labcorp); PubMed 23847139 (cited by Labcorp Genetics (formerly Invitae), Labcorp); PubMed 26047050 (cited by Labcorp Genetics (formerly Invitae), Labcorp); PubMed 26261414 (cited by Labcorp Genetics (formerly Invitae), Labcorp); PubMed 25412400 (cited by 3 submitters); PubMed 29411205 (cited by 4 submitters).